The following is an entry in ClinVar:

ClinVar aggregate classification (germline): Uncertain significance (1 of 4 stars; one submission).

Allele frequency attached by ClinVar (database versions not stated): gnomAD exomes below 0.00001.

Submission:

Labcorp Genetics (formerly Invitae), Labcorp
Classification: Uncertain significance. Last evaluated: 2022-07-06. Review status: criteria provided, single submitter. Criteria: Invitae Variant Classification Sherloc (09022015). Collection method: clinical testing. Allele origin: germline.
Comment: In summary, the available evidence is currently insufficient to determine the role of this variant in disease. Therefore, it has been classified as a Variant of Uncertain Significance. Algorithms developed to predict the effect of missense changes on protein structure and function are either unavailable or do not agree on the potential impact of this missense change (SIFT: "Not Available"; PolyPhen-2: "Benign"; Align-GVGD: "Not Available"). This variant has not been reported in the literature in individuals affected with UBA5-related conditions. The frequency data for this variant in the population databases is considered unreliable, as metrics indicate poor data quality at this position in the gnomAD database. This sequence change replaces aspartic acid, which is acidic and polar, with valine, which is neutral and non-polar, at codon 396 of the UBA5 protein (p.Asp396Val).

NM_024818.6(UBA5):c.1187A>T (p.Asp396Val)

Genes: NPHP3-ACAD11 (NPHP3-ACAD11 readthrough (NMD candidate); minus strand), UBA5 (ubiquitin like modifier activating enzyme 5; plus strand). Cytogenetic location: 3q22.1.
Variant type: single nucleotide variant.
Coding change: c.1187A>T on transcript NM_024818.6 (MANE Select); coding-DNA position 1187, A replaced by T.
Protein change: p.Asp396Val; replaces aspartic acid 396 with valine.
Molecular consequence: missense variant.
Genome position (GRCh38, 1-based): chr3:132,676,498, A>T. VCF-style: chr3-132676498-A-T. GRCh37 (hg19) VCF-style: chr3-132395342-A-T.
Other names: c.1019A>T, p.Asp340Val (NM_001320210.2, NM_198329.4); c.917A>T, p.Asp306Val (NM_001321238.2); c.851A>T, p.Asp284Val (NM_001321239.1); short protein forms D306V, D284V, D396V, D340V.
Identifiers: ClinVar variation 1950548 (VCV001950548.3), dbSNP rs765529135, ClinGen allele CA2621566.
Genomic context (GRCh38, chr3:132,676,498, plus strand): 5'-AATAGCAAGAAGATTCTGTCACTGAGTTAACAGTGGAAGATTCTGGTGAAAGCTTGGAAG[A>T]CCTCATGGCCAAAATGAAGAATATGTAGATAATGGACTGGGATATATTGTATTTCTCATG-3'
Protein context (NP_079094.1, residues 386-404): TVEDSGESLE[Asp396Val]LMAKMKNM